The following is an entry in ClinVar:

ClinVar aggregate classification (germline): Uncertain significance. Review status: criteria provided, multiple submitters, no conflicts (2 of 4 stars). 2 submissions from 2 submitters: Uncertain significance (2). Last evaluated 2024-01-15.

Conditions:
Dyskeratosis congenita. Identifiers: Orphanet 1775, MedGen C0265965, MONDO:0015780.

Allele frequency attached by ClinVar (database versions not stated): gnomAD exomes 0.00001 and 0.00003; TOPMed 0.00002; ExAC 0.00003; ESP Exome Variant Server 0.00008.
gnomAD v4.1: 20 of 1,614,142 alleles (0.0012%); highest among the groups gnomAD compares: Admixed American, 0.0033%; no homozygotes.

Submissions (2):

Labcorp Genetics (formerly Invitae), Labcorp
Classification: Uncertain significance for Dyskeratosis congenita. Last evaluated: 2024-01-15. Review status: criteria provided, single submitter. Criteria: Invitae Variant Classification Sherloc (09022015). Collection method: clinical testing. Allele origin: germline.
Comment: This sequence change replaces arginine, which is basic and polar, with cysteine, which is neutral and slightly polar, at codon 426 of the CTC1 protein (p.Arg426Cys). This variant is present in population databases (rs367898339, gnomAD 0.006%). This variant has not been reported in the literature in individuals affected with CTC1-related conditions. ClinVar contains an entry for this variant (Variation ID: 376993). Advanced modeling of protein sequence and biophysical properties (such as structural, functional, and spatial information, amino acid conservation, physicochemical variation, residue mobility, and thermodynamic stability) performed at Invitae indicates that this missense variant is not expected to disrupt CTC1 protein function with a negative predictive value of 80%. In summary, the available evidence is currently insufficient to determine the role of this variant in disease. Therefore, it has been classified as a Variant of Uncertain Significance.

Center for Pediatric Genomic Medicine, Children's Mercy Hospital and Clinics
Classification: Uncertain significance. Last evaluated: 2016-09-08. Review status: criteria provided, single submitter. Criteria: ACMG Guidelines, 2015. Collection method: clinical testing. Allele origin: germline.
ClinVar note: Converted during submission from Uncertain Significance to Uncertain significance.

NM_025099.6(CTC1):c.1276C>T (p.Arg426Cys)

Gene: CTC1 (CST telomere replication complex component 1; minus strand). Cytogenetic location: 17p13.1.
Variant type: single nucleotide variant.
Coding change: c.1276C>T on transcript NM_025099.6 (MANE Select); coding-DNA position 1276, C replaced by T.
Protein change: p.Arg426Cys; replaces arginine 426 with cysteine.
Molecular consequence: missense variant. On other transcripts: non-coding transcript variant (1).
Genome position (GRCh38, 1-based): chr17:8,235,216, G>A on the plus strand (C>T on the coding strand, the complement: CTC1 is on the minus strand). VCF-style: chr17-8235216-G-A. GRCh37 (hg19) VCF-style: chr17-8138534-G-A.
Other names: short protein forms R426C.
Identifiers: ClinVar variation 376993 (VCV000376993.4), dbSNP rs367898339, ClinGen allele CA8372402.